The following is an entry in ClinVar:

NM_001127208.3(TET2):c.1345G>T (p.Val449Leu)

Genes: TET2 (tet methylcytosine dioxygenase 2; plus strand), TET2-AS1 (TET2 antisense RNA 1; minus strand). Cytogenetic location: 4q24.
Variant type: single nucleotide variant.
Coding change: c.1345G>T on transcript NM_001127208.3 (MANE Select); coding-DNA position 1345, G replaced by T.
Protein change: p.Val449Leu; replaces valine 449 with leucine.
Molecular consequence: missense variant.
Genome position (GRCh38, 1-based): chr4:105,235,287, G>T. VCF-style: chr4-105235287-G-T. GRCh37 (hg19) VCF-style: chr4-106156444-G-T.
Other names: c.1345G>T, p.Val449Leu (NM_017628.4); short protein forms V449L.
Identifiers: ClinVar variation 5030745 (VCV005030745.1).

ClinVar aggregate classification (germline): Uncertain significance (1 of 4 stars; one submission).

Submission:

Ambry Genetics
Classification: Uncertain significance. Last evaluated: 2026-08-09. Review status: criteria provided, single submitter. Criteria: Ambry Variant Classification Scheme 2023. Collection method: clinical testing. Allele origin: germline.
Comment: The p.V449L variant (also known as c.1345G>T), located in coding exon 1 of the TET2 gene, results from a G to T substitution at nucleotide position 1345. The valine at codon 449 is replaced by leucine, an amino acid with highly similar properties. This amino acid position is conserved. In addition, this alteration is predicted to be tolerated by in silico analysis. Based on the available evidence, the clinical significance of this variant remains unclear.